The following is an entry in ClinVar:

NM_030962.4(SBF2):c.1063G>A (p.Val355Met)

Gene: SBF2 (SET binding factor 2; minus strand). Cytogenetic location: 11p15.4.
Variant type: single nucleotide variant.
Coding change: c.1063G>A on transcript NM_030962.4 (MANE Select); coding-DNA position 1063, G replaced by A.
Protein change: p.Val355Met; replaces valine 355 with methionine.
Molecular consequence: missense variant.
Genome position (GRCh38, 1-based): chr11:9,993,094, C>T on the plus strand (G>A on the coding strand, the complement: SBF2 is on the minus strand). VCF-style: chr11-9993094-C-T. GRCh37 (hg19) VCF-style: chr11-10014641-C-T.
Other names: c.1063G>A, p.Val355Met (NM_001386339.1, NM_001386342.1); short protein forms V355M.
Identifiers: ClinVar variation 1781067 (VCV001781067.2), dbSNP rs1947514137, ClinGen allele CA379638020.

ClinVar aggregate classification (germline): Uncertain significance (1 of 4 stars; one submission).

Conditions:
Inborn genetic diseases. Identifiers: MedGen C0950123, MeSH D030342.

gnomAD v4.1: 1 of 1,605,412 alleles (0.000062%); highest among the groups gnomAD compares: Non-Finnish European, 0.000085%; no homozygotes.

Submission:

Ambry Genetics
Classification: Uncertain significance for Inborn genetic diseases. Last evaluated: 2021-07-11. Review status: criteria provided, single submitter. Criteria: Ambry Variant Classification Scheme 2023. Collection method: clinical testing. Allele origin: germline.
Comment: The p.V355M variant (also known as c.1063G>A), located in coding exon 11 of the SBF2 gene, results from a G to A substitution at nucleotide position 1063. The valine at codon 355 is replaced by methionine, an amino acid with highly similar properties. This amino acid position is conserved. In addition, the in silico prediction for this alteration is inconclusive. Since supporting evidence is limited at this time, the clinical significance of this alteration remains unclear.